The following is an entry in ClinVar:

ClinVar aggregate classification (germline): Benign/Likely benign. Review status: criteria provided, multiple submitters, no conflicts (2 of 4 stars). 4 submissions from 4 submitters: Benign (2); Likely benign (2). Last evaluated 2026-02-01.

Conditions:
Mitochondrial DNA deletion syndrome with progressive myopathy. Also called: PROGRESSIVE EXTERNAL OPHTHALMOPLEGIA, AUTOSOMAL DOMINANT 6; Progressive external ophthalmoplegia with mitochondrial DNA deletions, autosomal dominant 6. Identifiers: Orphanet 352470, MedGen C3554599, MONDO:0014062, OMIM 615156.

Submissions (4):

CeGaT Center for Human Genetics Tuebingen
Classification: Benign. Last evaluated: 2026-02-01. Review status: criteria provided, single submitter. Criteria: CeGaT Center For Human Genetics Tuebingen Variant Classification Criteria Version 2. Collection method: clinical testing. Allele origin: germline. Affected: yes. Observed: 3 variant alleles.
Comment: DNA2: BS1, BS2

Labcorp Genetics (formerly Invitae), Labcorp
Classification: Benign. Last evaluated: 2026-01-19. Review status: criteria provided, single submitter. Criteria: Invitae Variant Classification Sherloc (09022015). Collection method: clinical testing. Allele origin: germline.

GeneDx
Classification: Likely benign. Last evaluated: 2023-10-04. Review status: criteria provided, single submitter. Criteria: GeneDx Variant Classification Process June 2021. Collection method: clinical testing. Allele origin: germline. Affected: yes.
Comment: See Variant Classification Assertion Criteria.

Victorian Clinical Genetics Services, Murdoch Childrens Research Institute
Classification: Likely benign for Mitochondrial DNA deletion syndrome with progressive myopathy. Last evaluated: 2020-05-25. Review status: criteria provided, single submitter. Criteria: ACMG Guidelines, 2015. Collection method: clinical testing. Allele origin: germline.
Comment: Based on the classification scheme VCGS_Germline_v1.1.1, this variant is classified as likely benign. Following criteria are met: 0108 - This gene is known to be associated with both recessive and dominant disease. (N) 0211 - Canonical splice site variant without proven consequence on splicing (no functional evidence available). (P) 0251 - Variant is heterozygous. (N) 0303 - Variant is present in gnomAD >=0.01 for a dominant condition (340 heterozygotes, 4 homozygotes). (B) 0806 - Moderate previous evidence of neutrality (ClinVar). (B) Legend: (P) - Pathogenic, (N) - Neutral, (B) - Benign

NM_001080449.3(DNA2):c.64_74+1del

Gene: DNA2 (DNA replication helicase/nuclease 2; minus strand). Cytogenetic location: 10q21.3.
Variant type: Deletion.
Coding change: c.64_74+1del on transcript NM_001080449.3 (MANE Select); coding-DNA position 64 through the canonical splice donor site of the intron after coding-DNA position 74, 12 bases deleted (CCGGCGGAGCTG).
Molecular consequence: splice donor variant.
Genome position (GRCh38, 1-based): chr10:68,471,790-68,471,801, CAGCTCCGCCGG deleted on the plus strand (CCGGCGGAGCTG on the coding strand, the reverse complement: DNA2 is on the minus strand); deleting any 12 consecutive bases within chr10:68,471,790-68,471,811 gives the same sequence; the c. name uses the placement nearest the transcript's 3' end. VCF-style (leftmost placement, unchanged base first): chr10-68471789-ACAGCTCCGCCGG-A. GRCh37 (hg19) VCF-style: chr10-70231546-ACAGCTCCGCCGG-A.
Identifiers: ClinVar variation 729327 (VCV000729327.37), dbSNP rs556723627, ClinGen allele CA5525407.